The following is an entry in ClinVar:

ClinVar aggregate classification (germline): Uncertain significance (1 of 4 stars; one submission).

Allele frequency attached by ClinVar (database versions not stated): gnomAD exomes below 0.00001; ExAC 0.00001.
gnomAD v4.1: 2 of 1,614,208 alleles (0.00012%); highest among the groups gnomAD compares: Non-Finnish European, 0.00017%; no homozygotes.

Submission:

GeneDx
Classification: Uncertain significance. Last evaluated: 2019-06-14. Review status: criteria provided, single submitter. Criteria: GeneDx Variant Classification Process June 2021. Collection method: clinical testing. Allele origin: germline. Affected: yes.
Comment: Has not been previously published as pathogenic or benign to our knowledge; Not observed at a significant frequency in large population cohorts (Lek et al., 2016); In silico analysis, which includes protein predictors and evolutionary conservation, supports that this variant does not alter protein structure/function

NM_004370.6(COL12A1):c.8467A>T (p.Thr2823Ser)

Gene: COL12A1 (collagen type XII alpha 1 chain; minus strand). Cytogenetic location: 6q13.
Variant type: single nucleotide variant.
Coding change: c.8467A>T on transcript NM_004370.6 (MANE Select); coding-DNA position 8467, A replaced by T.
Protein change: p.Thr2823Ser; replaces threonine 2823 with serine.
Molecular consequence: missense variant.
Genome position (GRCh38, 1-based): chr6:75,102,001, T>A on the plus strand (A>T on the coding strand, the complement: COL12A1 is on the minus strand). VCF-style: chr6-75102001-T-A. GRCh37 (hg19) VCF-style: chr6-75811717-T-A.
Other names: c.4975A>T, p.Thr1659Ser (NM_080645.3); short protein forms T1659S, T2823S.
Identifiers: ClinVar variation 1320721 (VCV001320721.2), dbSNP rs768691372, ClinGen allele CA3892264.
Genomic context (GRCh38, chr6:75,102,001, plus strand): 5'-CACTAGAAAAGGAAATTTTCAAATAGCACATGACAGGGCAACTTAGAGACCAACTCACTG[T>A]TCGGCCTGGAAGTCCTGGCTCTCCAGCATCACCTTTCATCCCTTGGCGACCCTAGAGTGA-3'
Protein context (NP_004361.3, residues 2813-2833): DAGEPGLPGR[Thr2823Ser]GTPGLPGPPG